The following is an entry in ClinVar:

ClinVar aggregate classification (germline): Uncertain significance (1 of 4 stars; one submission).

Conditions:
Inborn genetic diseases. Identifiers: MedGen C0950123, MeSH D030342.

gnomAD v4.1: 2 of 1,614,070 alleles (0.00012%); highest among the groups gnomAD compares: Non-Finnish European, 0.00017%; no homozygotes.

Submission:

Ambry Genetics
Classification: Uncertain significance for Inborn genetic diseases. Last evaluated: 2024-04-07. Review status: criteria provided, single submitter. Criteria: Ambry Variant Classification Scheme 2023. Collection method: clinical testing. Allele origin: germline.
Comment: The p.E869K variant (also known as c.2605G>A), located in coding exon 19 of the LTBP3 gene, results from a G to A substitution at nucleotide position 2605. The glutamic acid at codon 869 is replaced by lysine, an amino acid with similar properties. This amino acid position is conserved. In addition, this alteration is predicted to be deleterious by in silico analysis. Based on the available evidence, the clinical significance of this variant remains unclear.

NM_001130144.3(LTBP3):c.2605G>A (p.Glu869Lys)

Gene: LTBP3 (latent transforming growth factor beta binding protein 3; minus strand). Cytogenetic location: 11q13.1.
Variant type: single nucleotide variant.
Coding change: c.2605G>A on transcript NM_001130144.3 (MANE Select); coding-DNA position 2605, G replaced by A.
Protein change: p.Glu869Lys; replaces glutamic acid 869 with lysine.
Molecular consequence: missense variant.
Genome position (GRCh38, 1-based): chr11:65,541,720, C>T on the plus strand (G>A on the coding strand, the complement: LTBP3 is on the minus strand). VCF-style: chr11-65541720-C-T. GRCh37 (hg19) VCF-style: chr11-65309191-C-T.
Other names: c.2254G>A, p.Glu752Lys (NM_001164266.1); c.2605G>A, p.Glu869Lys (NM_021070.4); short protein forms E752K, E869K.
Identifiers: ClinVar variation 3292243 (VCV003292243.1).